The following is an entry in ClinVar:

NM_000091.5(COL4A3):c.1050C>T (p.Tyr350=)

Genes: COL4A3 (collagen type IV alpha 3 chain; plus strand), MFF-DT (MFF divergent transcript; minus strand). Cytogenetic location: 2q36.3.
Variant type: single nucleotide variant.
Coding change: c.1050C>T on transcript NM_000091.5 (MANE Select); coding-DNA position 1050, C replaced by T.
Protein change: p.Tyr350=; no amino-acid change (tyrosine 350 retained).
Molecular consequence: synonymous variant.
Genome position (GRCh38, 1-based): chr2:227,259,813, C>T. VCF-style: chr2-227259813-C-T. GRCh37 (hg19) VCF-style: chr2-228124529-C-T.
Identifiers: ClinVar variation 4821560 (VCV004821560.4).
Genomic context (GRCh38, chr2:227,259,813, plus strand): 5'-TAGCTATCCTTTCTCTGTATTTGTTTCTTTCTCCTCTAAGACAGAATATTATGACACATA[C>T]CAGGAAAAGGGAGATGAAGGCACTCCAGGCCCACCAGGGCCCAGAGGAGCTCGTGGCCCA-3'
Protein context (NP_000082.2, residues 340-360): FRGPTEYYDT[Tyr350=]QEKGDEGTPG

ClinVar aggregate classification (germline): Likely benign (1 of 4 stars; one submission).

gnomAD v4.1: 1 of 1,612,700 alleles (0.000062%); highest among the groups gnomAD compares: Non-Finnish European, 0.000085%; no homozygotes.

Submission:

CeGaT Center for Human Genetics Tuebingen
Classification: Likely benign. Last evaluated: 2026-01-01. Review status: criteria provided, single submitter. Criteria: CeGaT Center For Human Genetics Tuebingen Variant Classification Criteria Version 2. Collection method: clinical testing. Allele origin: germline. Affected: yes. Observed: 1 variant allele.
Comment: COL4A3: BP4, BP7